The following is an entry in ClinVar:

ClinVar aggregate classification (germline): Uncertain significance (0 of 4 stars; one submission).

Conditions:
PCNT-related disorder. Also called: PCNT-related condition.

gnomAD v4.1: 65 of 1,613,872 alleles (0.004%); highest among the groups gnomAD compares: Non-Finnish European, 0.0048%; no homozygotes.

Submission:

PreventionGenetics, part of Exact Sciences
Classification: Uncertain significance for PCNT-related condition. Last evaluated: 2023-11-29. Review status: no assertion criteria provided. Collection method: clinical testing. Allele origin: germline.
Comment: The PCNT c.581A>C variant is predicted to result in the amino acid substitution p.Gln194Pro. To our knowledge, this variant has not been reported in the literature. This variant is reported in 0.0079% of alleles in individuals of European (Non-Finnish) descent in gnomAD. At this time, the clinical significance of this variant is uncertain due to the absence of conclusive functional and genetic evidence.

NM_006031.6(PCNT):c.581A>C (p.Gln194Pro)

Gene: PCNT (pericentrin; plus strand). Cytogenetic location: 21q22.3.
Variant type: single nucleotide variant.
Coding change: c.581A>C on transcript NM_006031.6 (MANE Select); coding-DNA position 581, A replaced by C.
Protein change: p.Gln194Pro; replaces glutamine 194 with proline.
Molecular consequence: missense variant.
Genome position (GRCh38, 1-based): chr21:46,334,710, A>C. VCF-style: chr21-46334710-A-C. GRCh37 (hg19) VCF-style: chr21-47754624-A-C.
Other names: c.227A>C, p.Gln76Pro (NM_001315529.2); short protein forms Q194P, Q76P.
Identifiers: ClinVar variation 3358478 (VCV003358478.1).
Genomic context (GRCh38, chr21:46,334,710, plus strand): 5'-TCAGTGACCACCAACCGGAACAGCGTGGGATGTTCACAGTCAGTGACCACACACCAGAAC[A>C]GCGTGGGATCTTCACAATCAGTGACCACCCAGCAGAACAGCGTGGGATGTTCACAAAGGT-3'
Protein context (NP_006022.3, residues 184-204): MFTVSDHTPE[Gln194Pro]RGIFTISDHP